The following is an entry in ClinVar:

NM_002485.5(NBN):c.821G>A (p.Gly274Glu)

Gene: NBN (nibrin; minus strand). Cytogenetic location: 8q21.3.
Variant type: single nucleotide variant.
Coding change: c.821G>A on transcript NM_002485.5 (MANE Select); coding-DNA position 821, G replaced by A.
Protein change: p.Gly274Glu; replaces glycine 274 with glutamic acid.
Molecular consequence: missense variant.
Genome position (GRCh38, 1-based): chr8:89,970,439, C>T on the plus strand (G>A on the coding strand, the complement: NBN is on the minus strand). VCF-style: chr8-89970439-C-T. GRCh37 (hg19) VCF-style: chr8-90982667-C-T.
Other names: c.575G>A, p.Gly192Glu (NM_001024688.3); short protein forms G274E, G192E.
Identifiers: ClinVar variation 2099726 (VCV002099726.5), dbSNP rs2129828673, ClinGen allele CA371658535.

ClinVar aggregate classification (germline): Uncertain significance. Review status: criteria provided, multiple submitters, no conflicts (2 of 4 stars). 2 submissions from 2 submitters: Uncertain significance (2). Last evaluated 2026-07-06.

Conditions:
Microcephaly, normal intelligence and immunodeficiency (NBS). Also called: IMMUNODEFICIENCY, MICROCEPHALY, AND CHROMOSOMAL INSTABILITY; SEEMANOVA SYNDROME II; Immunodeficiency, microcephaly with normal intelligence; Ataxia telangiectasia variant V1; Nijmegen breakage syndrome; Microcephaly with normal intelligence immunodeficiency and lymphoreticular malignancies. Identifiers: Orphanet 647, MedGen C0398791, MONDO:0009623, OMIM 251260.
Hereditary cancer-predisposing syndrome. Also called: Tumor predisposition; Hereditary Cancer Syndrome; Hereditary neoplastic syndrome; Neoplastic Syndromes, Hereditary. Identifiers: Orphanet 140162, MedGen C0027672, MeSH D009386, MONDO:0015356.

Allele frequency attached by ClinVar (database versions not stated): gnomAD exomes below 0.00001.
gnomAD v4.1: 4 of 1,613,996 alleles (0.00025%); highest among the groups gnomAD compares: Non-Finnish European, 0.00034%; no homozygotes.

Submissions (2):

Ambry Genetics
Classification: Uncertain significance for Hereditary cancer-predisposing syndrome. Last evaluated: 2026-07-06. Review status: criteria provided, single submitter. Criteria: Ambry Variant Classification Scheme 2023. Collection method: clinical testing. Allele origin: germline.
Comment: The p.G274E variant (also known as c.821G>A), located in coding exon 7 of the NBN gene, results from a G to A substitution at nucleotide position 821. The glycine at codon 274 is replaced by glutamic acid, an amino acid with similar properties. This amino acid position is conserved. In addition, this alteration is predicted to be deleterious by in silico analysis. Based on the available evidence, the clinical significance of this variant remains unclear.

Labcorp Genetics (formerly Invitae), Labcorp
Classification: Uncertain significance for Microcephaly, normal intelligence and immunodeficiency. Last evaluated: 2022-09-21. Review status: criteria provided, single submitter. Criteria: Invitae Variant Classification Sherloc (09022015). Collection method: clinical testing. Allele origin: germline.
Comment: In summary, the available evidence is currently insufficient to determine the role of this variant in disease. Therefore, it has been classified as a Variant of Uncertain Significance. Algorithms developed to predict the effect of missense changes on protein structure and function are either unavailable or do not agree on the potential impact of this missense change (SIFT: "Tolerated"; PolyPhen-2: "Possibly Damaging"; Align-GVGD: "Class C0"). This variant has not been reported in the literature in individuals affected with NBN-related conditions. This variant is not present in population databases (gnomAD no frequency). This sequence change replaces glycine, which is neutral and non-polar, with glutamic acid, which is acidic and polar, at codon 274 of the NBN protein (p.Gly274Glu).